The following is an entry in ClinVar:

ClinVar aggregate classification (germline): Uncertain significance. Review status: criteria provided, multiple submitters, no conflicts (2 of 4 stars). 2 submissions from 2 submitters: Uncertain significance (2). Last evaluated 2024-10-15.

Allele frequency attached by ClinVar (database versions not stated): ExAC 0.00001.
gnomAD v4.1: 3 of 1,612,834 alleles (0.00019%); highest among the groups gnomAD compares: Admixed American, 0.0017%; no homozygotes.

Submissions (2):

Dasa
Classification: Uncertain significance. Last evaluated: 2024-10-15. Review status: criteria provided, single submitter. Criteria: DASA Assertion Criteria. Collection method: clinical testing. Allele origin: germline.
Comment: NM_020693.4(DSCAML1):c.3728C>G (p.Thr1243Arg) is a missense variant that results in the substitution of threonine with arginine. This variant is rare in population databases. Computational prediction algorithms are consistent with a benign effect. The currently available literature and clinical evidence are not sufficient to establish a definitive association between this variant and the reported condition. Therefore, this variant is classified as a variant of uncertain significance.

Labcorp Genetics (formerly Invitae), Labcorp
Classification: Uncertain significance. Last evaluated: 2022-10-13. Review status: criteria provided, single submitter. Criteria: Invitae Variant Classification Sherloc (09022015). Collection method: clinical testing. Allele origin: germline.
Comment: This sequence change replaces threonine, which is neutral and polar, with arginine, which is basic and polar, at codon 1303 of the DSCAML1 protein (p.Thr1303Arg). This variant is present in population databases (rs780348395, gnomAD 0.005%). This variant has not been reported in the literature in individuals affected with DSCAML1-related conditions. Algorithms developed to predict the effect of missense changes on protein structure and function are either unavailable or do not agree on the potential impact of this missense change (SIFT: "Deleterious"; PolyPhen-2: "Possibly Damaging"; Align-GVGD: "Class C15"). In summary, the available evidence is currently insufficient to determine the role of this variant in disease. Therefore, it has been classified as a Variant of Uncertain Significance.

NM_020693.4(DSCAML1):c.3728C>G (p.Thr1243Arg)

Gene: DSCAML1 (DS cell adhesion molecule like 1; minus strand). Cytogenetic location: 11q23.3.
Variant type: single nucleotide variant.
Coding change: c.3728C>G on transcript NM_020693.4 (MANE Select); coding-DNA position 3728, C replaced by G.
Protein change: p.Thr1243Arg; replaces threonine 1243 with arginine.
Molecular consequence: missense variant.
Genome position (GRCh38, 1-based): chr11:117,444,020, G>C on the plus strand (C>G on the coding strand, the complement: DSCAML1 is on the minus strand). VCF-style: chr11-117444020-G-C. GRCh37 (hg19) VCF-style: chr11-117314736-G-C.
Other names: short protein forms T1243R.
Identifiers: ClinVar variation 1930405 (VCV001930405.7), dbSNP rs780348395, ClinGen allele CA6296597.